The following is an entry in ClinVar:

ClinVar aggregate classification (germline): Uncertain significance (1 of 4 stars; one submission).

gnomAD v4.1: 4 of 1,613,948 alleles (0.00025%); highest among the groups gnomAD compares: East Asian, 0.0089%; no homozygotes.

Submission:

Women's Health and Genetics/Laboratory Corporation of America, LabCorp
Classification: Uncertain significance. Last evaluated: 2026-02-19. Review status: criteria provided, single submitter. Criteria: LabCorp Variant Classification Summary - May 2015. Collection method: clinical testing. Allele origin: germline.
Comment: Variant summary: RBM28 c.2194C>T (p.Gln732X) results in a premature termination codon, predicted to cause a truncation of the encoded protein or absence of the protein due to nonsense mediated decay, however current evidence is not sufficient to establish loss of function as a mechanism for disease. The variant allele was found at a frequency of 4e-06 in 251448 control chromosomes. The available data on variant occurrences in the general population are insufficient to allow any conclusion about variant significance. To our knowledge, no occurrence of c.2194C>T in individuals affected with RBM28-related conditions and no experimental evidence demonstrating its impact on protein function have been reported. No submitters have cited clinical-significance assessments for this variant to ClinVar. Based on the evidence outlined above, the variant was classified as uncertain significance.

NM_018077.3(RBM28):c.2194C>T (p.Gln732Ter)

Gene: RBM28 (RNA binding motif protein 28; minus strand). Cytogenetic location: 7q32.1.
Variant type: single nucleotide variant.
Coding change: c.2194C>T on transcript NM_018077.3 (MANE Select); coding-DNA position 2194, C replaced by T.
Protein change: p.Gln732Ter; replaces glutamine 732 with a stop codon.
Molecular consequence: nonsense.
Genome position (GRCh38, 1-based): chr7:128,310,883, G>A on the plus strand (C>T on the coding strand, the complement: RBM28 is on the minus strand). VCF-style: chr7-128310883-G-A. GRCh37 (hg19) VCF-style: chr7-127950936-G-A.
Other names: c.1771C>T, p.Gln591Ter (NM_001166135.2); short protein forms Q591*, Q732*.
Identifiers: ClinVar variation 4848216 (VCV004848216.1).
Genomic context (GRCh38, chr7:128,310,883, plus strand): 5'-TTGCAAGAGGTGCTCCTTTAGAAGGTCCCAATAATTTCTGCTTATATTGTTCGACCAGCT[G>A]GTTGAAGCGGGTTTCCGTCTTATTTCCCTTAGCTTTTTTCCTAGATACCTACAAATGAAA-3'